The following is an entry in ClinVar:

NM_001330700.2(TOP2B):c.973A>G (p.Ser325Gly)

Gene: TOP2B (DNA topoisomerase II beta; minus strand). Cytogenetic location: 3p24.2.
Variant type: single nucleotide variant.
Coding change: c.973A>G on transcript NM_001330700.2 (MANE Select); coding-DNA position 973, A replaced by G.
Protein change: p.Ser325Gly; replaces serine 325 with glycine.
Molecular consequence: missense variant.
Genome position (GRCh38, 1-based): chr3:25,633,894, T>C on the plus strand (A>G on the coding strand, the complement: TOP2B is on the minus strand). VCF-style: chr3-25633894-T-C. GRCh37 (hg19) VCF-style: chr3-25675385-T-C.
Other names: c.958A>G, p.Ser320Gly (NM_001068.3); short protein forms S325G, S320G.
Identifiers: ClinVar variation 1524155 (VCV001524155.8), dbSNP rs2125382487, ClinGen allele CA351911576.
Genomic context (GRCh38, chr3:25,633,894, plus strand): 5'-TACTTACTTTTGTAGTTGCAATACTATTTACAAAGCTGATTTGCTGGAATCCTTTTTCAC[T>C]CAATGTGAGACAAACATCCCATCTTTCATTTGCAAGCTCATGAATAACTTTCAGGGCCAC-3'
Protein context (NP_001317629.1, residues 315-335): NERWDVCLTL[Ser325Gly]EKGFQQISFV

ClinVar aggregate classification (germline): Uncertain significance (1 of 4 stars; one submission).

Submission:

Labcorp Genetics (formerly Invitae), Labcorp
Classification: Uncertain significance. Last evaluated: 2023-05-31. Review status: criteria provided, single submitter. Criteria: Invitae Variant Classification Sherloc (09022015). Collection method: clinical testing. Allele origin: germline.
Comment: ClinVar contains an entry for this variant (Variation ID: 1524155). An algorithm developed to predict the effect of missense changes on protein structure and function (PolyPhen-2) suggests that this variant is likely to be disruptive. In summary, the available evidence is currently insufficient to determine the role of this variant in disease. Therefore, it has been classified as a Variant of Uncertain Significance. This variant has not been reported in the literature in individuals affected with TOP2B-related conditions. This sequence change replaces serine, which is neutral and polar, with glycine, which is neutral and non-polar, at codon 320 of the TOP2B protein (p.Ser320Gly). This variant is not present in population databases (gnomAD no frequency).